The following is an entry in ClinVar:

ClinVar aggregate classification (germline): Benign (1 of 4 stars; one submission).

Submission:

ISCA site 4
Classification: Benign. Last evaluated: 2011-08-12. Review status: criteria provided, single submitter. Criteria: Kaminsky et al. (Genet Med. 2011). Collection method: clinical testing. Allele origin: unknown. Affected: yes. Observed: 2 variant alleles.
Comment: Copy number variation identified through the course of routine clinical cytogenomic testing in postnatal populations. Clinical assertions have been curated as described in Kaminsky et al. 2011.

GRCh38/hg38 Xq28(chrX:155980375-156022206)x1

Genes: IL9R (interleukin 9 receptor; plus strand), WASIR1 (WASH and IL9R antisense RNA 1; minus strand). Cytogenetic location: Xq28.
Variant type: copy number loss.
Change: copy number 1 of chrX:155,980,375-156,022,206 (41.8 kb, GRCh38 coordinates, 1-based), cytogenetic band Xq28.
Identifiers: ClinVar variation 59659 (VCV000059659.1).